The following is an entry in ClinVar:

ClinVar aggregate classification (germline): Pathogenic. Review status: criteria provided, multiple submitters, no conflicts (2 of 4 stars). 5 submissions from 5 submitters: Pathogenic (5). Last evaluated 2026-05-20.

Conditions:
Hyperinsulinemic hypoglycemia, familial, 1 (HHF1). Also called: HYPERINSULINISM, FAMILIAL, WITH PANCREATIC NESIDIOBLASTOSIS; HYPOGLYCEMIA, HYPERINSULINEMIC, OF INFANCY; NESIDIOBLASTOSIS OF PANCREAS; Persistent Hyperinsulinemia Hypoglycemia of Infancy; Persistent hyperinsulinemic hypoglycemia of infancy. Identifiers: Orphanet 276575, Orphanet 276598, MedGen C2931832, MONDO:0009734, OMIM 256450.
Familial hyperinsulinism. Also called: Congenital hyperinsulinism. Identifiers: Orphanet 276525, MedGen C3888018, MONDO:0017182. Disease mechanism: loss of function.

Allele frequency attached by ClinVar (database versions not stated): gnomAD exomes 0.00001 and below 0.00001; ExAC 0.00001.
gnomAD v4.1: 8 of 1,614,028 alleles (0.0005%); highest among the groups gnomAD compares: East Asian, 0.0022%; no homozygotes.

Submissions (5):

Women's Health and Genetics/Laboratory Corporation of America, LabCorp
Classification: Pathogenic for Familial hyperinsulinism. Last evaluated: 2026-05-20. Review status: criteria provided, single submitter. Criteria: LabCorp Variant Classification Summary - May 2015. Collection method: clinical testing. Allele origin: germline.
Comment: Variant summary: ABCC8 c.2113C>T (p.Arg705X) results in a premature termination codon, predicted to cause a truncation of the encoded protein or absence of the protein due to nonsense mediated decay, which are commonly known mechanisms for disease. The variant allele was found at a frequency of 4e-06 in 250714 control chromosomes. c.2113C>T has been observed in individual(s) affected with congenital hyperinsulinism (example: Xu_2019). To our knowledge, no experimental evidence demonstrating an impact on protein function has been reported. The following publication has been ascertained in the context of this evaluation (PMID: 31208162). ClinVar contains an entry for this variant (Variation ID: 1073510). Based on the evidence outlined above, the variant was classified as pathogenic.

Victorian Clinical Genetics Services, Murdoch Childrens Research Institute
Classification: Pathogenic for Hyperinsulinemic hypoglycemia, familial, 1. Last evaluated: 2025-11-07. Review status: criteria provided, single submitter. Criteria: ACMG Guidelines, 2015. Collection method: clinical testing. Allele origin: germline. Affected: yes.
Comment: This variant is classified as Pathogenic. Evidence in support of pathogenic classification: Variant is predicted to cause nonsense-mediated decay (NMD) and loss of protein (premature termination codon is located at least 54 nucleotides upstream of the final exon-exon junction); Variant is present in gnomAD <0.01 (v4: 8 heterozygote(s), 0 homozygote(s)); This variant has strong previous evidence of pathogenicity in unrelated individuals. This variant has been classified as pathogenic by multiple clinical laboratories (ClinVar). In addition, it has been reported in a heterozygous state in at least one individual with focal form congenital hyperinsulinism and in a homozygous state in an infant with hyperinsulinaemia (PMIDs: 34477356, 35928676, 32027066); Other NMD-predicted variants comparable to the one identified in this case have very strong previous evidence for pathogenicity (DECIPHER). Additional information: This variant is homozygous; This gene is associated with both recessive and dominant disease (PMID: 32027066); Loss of function and gain of function are known mechanisms of disease in this gene. Gain of function is associated with diabetes mellitus, noninsulin-dependent (MIM#125853), diabetes mellitus, permanent neonatal 3, with or without neurologic features (MIM#618857), and diabetes mellitus, transient neonatal 2 (MIM#610374). Loss of function is associated with hyperinsulinaemic hypoglycaemia, familial, 1 (MIM#256450), and hypoglycaemia of infancy, leucine-sensitive (MIM#240800) (PMIDs: 32376986, 32027066); Variants in this gene are known to have variable expressivity. Variants in this gene have been associated with both permanent and transient diabetes (PMIDs: 26208381, 32027066).

Broad Center for Mendelian Genomics, Broad Institute of MIT and Harvard
Classification: Pathogenic for Hyperinsulinemic hypoglycemia, familial, 1. Last evaluated: 2023-08-16. Review status: criteria provided, single submitter. Criteria: ACMG Guidelines, 2015. Collection method: curation. Allele origin: germline. Inheritance: Autosomal recessive inheritance.
Comment: The p.Arg705Ter variant in ABCC8 has been reported in at least 4 individuals with congenital hyperinsulinism (PMID: 31208162, 32027066, 35928676), and has been identified in 0.003% (1/30548) of South Asian chromosomes by the Genome Aggregation Database (gnomAD; dbSNP rs751848086). Although this variant has been seen in the general population in a heterozygous state, its frequency is low enough to be consistent with a recessive carrier frequency. This variant has also been reported in ClinVar (VariationID: 1073510) as pathogenic by Invitae. Of the 4 affected individuals, 1 of those was a compound heterozygote that carried a reported pathogenic variant in trans, which increases the likelihood that the p.Arg705Ter variant is pathogenic (PMID: 35928676). This nonsense variant leads to a premature termination codon at position 705, which is predicted to lead to a truncated or absent protein. Loss of function of the ABCC8 gene is an established disease mechanism in autosomal recessive hyperinsulinemic hypoglycemia. In summary, this variant meets criteria to be classified as pathogenic for autosomal recessive hyperinsulinemic hypoglycemia. ACMG/AMP Criteria applied: PVS1, PM3, PM2_supporting (Richards 2015).

Labcorp Genetics (formerly Invitae), Labcorp
Classification: Pathogenic. Last evaluated: 2023-07-16. Review status: criteria provided, single submitter. Criteria: Invitae Variant Classification Sherloc (09022015). Collection method: clinical testing. Allele origin: germline.
Comment: For these reasons, this variant has been classified as Pathogenic. ClinVar contains an entry for this variant (Variation ID: 1073510). This premature translational stop signal has been observed in individual(s) with congenital hyperinsulininsm (PMID: 31208162, 32027066). The frequency data for this variant in the population databases is considered unreliable, as metrics indicate poor data quality at this position in the gnomAD database. This sequence change creates a premature translational stop signal (p.Arg705*) in the ABCC8 gene. It is expected to result in an absent or disrupted protein product. Loss-of-function variants in ABCC8 are known to be pathogenic (PMID: 20685672, 23345197).

Institute of Immunology and Genetics Kaiserslautern
Classification: Pathogenic for Hyperinsulinemic hypoglycemia, familial, 1. Last evaluated: 2022-09-20. Review status: criteria provided, single submitter. Criteria: ACMG Guidelines, 2015. Collection method: clinical testing. Allele origin: germline.
Comment: ACMG Criteria: PVS1, PM2, PP5; Variant was found in heterozygous state.

Literature cited by the submitters: PubMed 31208162 (cited by Women's Health and Genetics/Laboratory Corporation of America, LabCorp and Labcorp Genetics (formerly Invitae), Labcorp); PubMed 34477356 (cited by Victorian Clinical Genetics Services, Murdoch Childrens Research Institute); PubMed 32376986 (cited by Victorian Clinical Genetics Services, Murdoch Childrens Research Institute); PubMed 35928676 (cited by Victorian Clinical Genetics Services, Murdoch Childrens Research Institute); PubMed 32027066 (cited by Victorian Clinical Genetics Services, Murdoch Childrens Research Institute and Labcorp Genetics (formerly Invitae), Labcorp); PubMed 26208381 (cited by Victorian Clinical Genetics Services, Murdoch Childrens Research Institute); PubMed 20685672 (cited by Labcorp Genetics (formerly Invitae), Labcorp); PubMed 23345197 (cited by Labcorp Genetics (formerly Invitae), Labcorp).

NM_000352.6(ABCC8):c.2113C>T (p.Arg705Ter)

Gene: ABCC8 (ATP binding cassette subfamily C member 8; minus strand). Cytogenetic location: 11p15.1.
Variant type: single nucleotide variant.
Coding change: c.2113C>T on transcript NM_000352.6 (MANE Select); coding-DNA position 2113, C replaced by T.
Protein change: p.Arg705Ter; replaces arginine 705 with a stop codon.
Molecular consequence: nonsense. On other transcripts: non-coding transcript variant (1).
Genome position (GRCh38, 1-based): chr11:17,427,870, G>A on the plus strand (C>T on the coding strand, the complement: ABCC8 is on the minus strand). VCF-style: chr11-17427870-G-A. GRCh37 (hg19) VCF-style: chr11-17449417-G-A.
Other names: NM_000352.6(ABCC8):c.2113C>T; p.Arg705Ter; c.2113C>T, p.Arg705Ter (NM_001287174.3); c.2179C>T, p.Arg727Ter (NM_001351295.2); c.2110C>T, p.Arg704Ter (NM_001351296.2, NM_001351297.2); short protein forms R704*, R705*, R727*.
Identifiers: ClinVar variation 1073510 (VCV001073510.12), dbSNP rs751848086, ClinGen allele CA5903313.